The following is an entry in ClinVar:

NM_006206.6(PDGFRA):c.1636G>C (p.Val546Leu)

Gene: PDGFRA (platelet derived growth factor receptor alpha; plus strand). Cytogenetic location: 4q12.
Variant type: single nucleotide variant.
Coding change: c.1636G>C on transcript NM_006206.6 (MANE Select); coding-DNA position 1636, G replaced by C.
Protein change: p.Val546Leu; replaces valine 546 with leucine.
Molecular consequence: missense variant.
Genome position (GRCh38, 1-based): chr4:54,274,608, G>C. VCF-style: chr4-54274608-G-C. GRCh37 (hg19) VCF-style: chr4-55140775-G-C.
Other names: c.1636G>C, p.Val546Leu (NM_001347827.2, NM_001347829.2); c.1711G>C, p.Val571Leu (NM_001347828.2); c.1675G>C, p.Val559Leu (NM_001347830.2); short protein forms V559L, V571L, V546L.
Identifiers: ClinVar variation 2037758 (VCV002037758.4), dbSNP rs1233146093, ClinGen allele CA356892967.
Genomic context (GRCh38, chr4:54,274,608, plus strand): 5'-ACGGTGGCTGCTGCAGTCCTGGTGCTGTTGGTGATTGTGATCATCTCACTTATTGTCCTG[G>C]TTGTCATTTGGAAACAGGTAGATATTTTCTCATAAAACTAAAGATCTTTGAAGCCAATGA-3'
Protein context (NP_006197.1, residues 536-556): VIVIISLIVL[Val546Leu]VIWKQKPRYE

ClinVar aggregate classification (germline): Uncertain significance (1 of 4 stars; one submission).

Conditions:
Gastrointestinal stromal tumor. Also called: Gastrointestinal stroma tumor; Gastrointestinal stromal tumor, somatic. Identifiers: Orphanet 44890, MedGen C0238198, MeSH D046152, MONDO:0011719, OMIM 606764, HP:0100723.

Allele frequency attached by ClinVar (database versions not stated): TOPMed below 0.00001.

Submission:

Labcorp Genetics (formerly Invitae), Labcorp
Classification: Uncertain significance for Gastrointestinal stromal tumor. Last evaluated: 2025-01-29. Review status: criteria provided, single submitter. Criteria: Invitae Variant Classification Sherloc (09022015). Collection method: clinical testing. Allele origin: germline.
Comment: This sequence change replaces valine, which is neutral and non-polar, with leucine, which is neutral and non-polar, at codon 546 of the PDGFRA protein (p.Val546Leu). This variant is not present in population databases (gnomAD no frequency). This variant has not been reported in the literature in individuals affected with PDGFRA-related conditions. ClinVar contains an entry for this variant (Variation ID: 2037758). Invitae Evidence Modeling of protein sequence and biophysical properties (such as structural, functional, and spatial information, amino acid conservation, physicochemical variation, residue mobility, and thermodynamic stability) indicates that this missense variant is not expected to disrupt PDGFRA protein function with a negative predictive value of 80%. In summary, the available evidence is currently insufficient to determine the role of this variant in disease. Therefore, it has been classified as a Variant of Uncertain Significance.